The following is an entry in ClinVar:

ClinVar aggregate classification (germline): Likely pathogenic (1 of 4 stars; one submission).

Conditions:
Hereditary spastic paraplegia 30. Identifiers: Orphanet 101010, MedGen C5235139, MONDO:0012476.
Neuropathy, hereditary sensory, type 2C. Also called: Hereditary sensory and autonomic neuropathy type IIC; KIF1A-Related HSAN2 (HSAN2C). Identifiers: Orphanet 970, MedGen C3280168, MONDO:0013634, OMIM 614213.
Intellectual disability, autosomal dominant 9 (NESCAVS). Also called: NESCAV SYNDROME; KIF1A-Related Neurodevelopmental Disorder. Identifiers: Orphanet 662367, MedGen C5393830, MONDO:0013656, OMIM 614255.

Submission:

Labcorp Genetics (formerly Invitae), Labcorp
Classification: Likely pathogenic for Hereditary spastic paraplegia 30; Neuropathy, hereditary sensory, type 2C; Intellectual disability, autosomal dominant 9. Last evaluated: 2024-03-07. Review status: criteria provided, single submitter. Criteria: Invitae Variant Classification Sherloc (09022015). Collection method: clinical testing. Allele origin: germline.
Comment: This sequence change affects an acceptor splice site in intron 16 of the KIF1A gene. It is expected to disrupt RNA splicing. Variants that disrupt the donor or acceptor splice site typically lead to a loss of protein function (PMID: 16199547), and loss-of-function variants in KIF1A are known to be pathogenic (PMID: 21820098). This variant is not present in population databases (gnomAD no frequency). This variant has not been reported in the literature in individuals affected with KIF1A-related conditions. ClinVar contains an entry for this variant (Variation ID: 1524644). Algorithms developed to predict the effect of sequence changes on RNA splicing suggest that this variant may disrupt the consensus splice site. In summary, the currently available evidence indicates that the variant is pathogenic, but additional data are needed to prove that conclusively. Therefore, this variant has been classified as Likely Pathogenic.

Literature cited by the submitters: PubMed 16199547; PubMed 21820098.

NM_001244008.2(KIF1A):c.1578-2A>G

Gene: KIF1A (kinesin family member 1A; minus strand). Cytogenetic location: 2q37.3.
Variant type: single nucleotide variant.
Coding change: c.1578-2A>G on transcript NM_001244008.2 (MANE Select); the canonical splice acceptor site of the intron before coding-DNA position 1578, A replaced by G.
Molecular consequence: splice acceptor variant.
Genome position (GRCh38, 1-based): chr2:240,767,023, T>C on the plus strand (A>G on the coding strand, the complement: KIF1A is on the minus strand). VCF-style: chr2-240767023-T-C. GRCh37 (hg19) VCF-style: chr2-241706440-T-C.
Other names: c.1551-2A>G (NM_001379653.1, NM_001379650.1, NM_001379645.1 and 10 more transcripts); c.1653-2A>G (NM_001379635.1, NM_001330290.2, NM_001379646.1 and 2 more transcripts); c.1626-2A>G (NM_001379637.1, NM_001379648.1); c.1578-2A>G (NM_001320705.2, NM_001379638.1, NM_001330289.2).
Identifiers: ClinVar variation 1524644 (VCV001524644.8), dbSNP rs2125925871, ClinGen allele CA351328357.